The following is an entry in ClinVar:

NM_004370.6(COL12A1):c.8178G>A (p.Arg2726=)

Gene: COL12A1 (collagen type XII alpha 1 chain; minus strand). Cytogenetic location: 6q13.
Variant type: single nucleotide variant.
Coding change: c.8178G>A on transcript NM_004370.6 (MANE Select); coding-DNA position 8178, G replaced by A.
Protein change: p.Arg2726=; no amino-acid change (arginine 2726 retained).
Molecular consequence: synonymous variant.
Genome position (GRCh38, 1-based): chr6:75,106,419, C>T on the plus strand (G>A on the coding strand, the complement: COL12A1 is on the minus strand). VCF-style: chr6-75106419-C-T. GRCh37 (hg19) VCF-style: chr6-75816135-C-T.
Other names: c.4686G>A, p.Arg1562= (NM_080645.3).
Identifiers: ClinVar variation 949867 (VCV000949867.10), dbSNP rs1768547356, ClinGen allele CA450922985.

ClinVar aggregate classification (germline): Uncertain significance (1 of 4 stars; one submission).

Conditions:
Ullrich congenital muscular dystrophy 2 (UCMD2). Identifiers: Orphanet 75840, MedGen C4225314, MONDO:0014654, OMIM 616470.
Bethlem myopathy 2 (BTHLM2). Identifiers: Orphanet 536516, Orphanet 610, MedGen C4225313, MONDO:0034022, OMIM 616471.

Submission:

Labcorp Genetics (formerly Invitae), Labcorp
Classification: Uncertain significance for Bethlem myopathy 2; Ullrich congenital muscular dystrophy 2. Last evaluated: 2022-08-10. Review status: criteria provided, single submitter. Criteria: Invitae Variant Classification Sherloc (09022015). Collection method: clinical testing. Allele origin: germline.
Comment: Variants that disrupt the consensus splice site are a relatively common cause of aberrant splicing (PMID: 17576681, 9536098). Algorithms developed to predict the effect of sequence changes on RNA splicing suggest that this variant is not likely to affect RNA splicing. In summary, the available evidence is currently insufficient to determine the role of this variant in disease. Therefore, it has been classified as a Variant of Uncertain Significance. ClinVar contains an entry for this variant (Variation ID: 949867). This variant has been observed in individual(s) with clinical features of autosomal dominant COL12A1-related conditions (Invitae). This variant is not present in population databases (gnomAD no frequency). This sequence change affects codon 2726 of the COL12A1 mRNA. It is a 'silent' change, meaning that it does not change the encoded amino acid sequence of the COL12A1 protein. This variant also falls at the last nucleotide of exon 53, which is part of the consensus splice site for this exon.

Literature cited by the submitters: PubMed 17576681; PubMed 9536098.